The following is an entry in ClinVar:

NM_130839.5(UBE3A):c.1608+3A>T

Genes: SNHG14 (small nucleolar RNA host gene 14; plus strand), UBE3A (ubiquitin protein ligase E3A; minus strand). Cytogenetic location: 15q11.2.
Variant type: single nucleotide variant.
Coding change: c.1608+3A>T on transcript NM_130839.5 (MANE Select); 3 bases into the intron after coding-DNA position 1608, A replaced by T.
Molecular consequence: intron variant.
Genome position (GRCh38, 1-based): chr15:25,370,563, T>A on the plus strand (A>T on the coding strand, the complement: UBE3A is on the minus strand). VCF-style: chr15-25370563-T-A. GRCh37 (hg19) VCF-style: chr15-25615710-T-A.
Other names: c.1431+3A>T (NM_001354546.2); c.301+4902A>T (NM_001354551.2); c.1548+3A>T (NM_001354549.2, NM_001354548.2, NM_130838.4 and 17 more transcripts); c.361+4902A>T (NM_001354550.2); c.1608+3A>T (NM_001354545.2, NM_001354538.2, NM_001354505.1); c.1617+3A>T (NM_000462.5).
Identifiers: ClinVar variation 2017724 (VCV002017724.4), dbSNP rs2552191434, ClinGen allele CA2580089126.

ClinVar aggregate classification (germline): Uncertain significance (1 of 4 stars; one submission).

Conditions:
Angelman syndrome (AS). Also called: HAPPY PUPPET SYNDROME. Identifiers: Orphanet 72, MedGen C0162635, MONDO:0007113, OMIM 105830. Disease mechanism: loss of function. Inheritance: AS is caused by disruption of maternally imprinted UBE3A located within the 15q11.2-q13 Angelman syndrome/Prader-Willi syndrome (AS/PWS) region., imprinting disorder.

Submission:

Labcorp Genetics (formerly Invitae), Labcorp
Classification: Uncertain significance for Angelman syndrome. Last evaluated: 2023-11-27. Review status: criteria provided, single submitter. Criteria: Invitae Variant Classification Sherloc (09022015). Collection method: clinical testing. Allele origin: germline.
Comment: This sequence change falls in intron 3 of the UBE3A gene. It does not directly change the encoded amino acid sequence of the UBE3A protein. It affects a nucleotide within the consensus splice site. This variant is not present in population databases (gnomAD no frequency). This variant has not been reported in the literature in individuals affected with UBE3A-related conditions. ClinVar contains an entry for this variant (Variation ID: 2017724). Variants that disrupt the consensus splice site are a relatively common cause of aberrant splicing (PMID: 17576681, 9536098). Algorithms developed to predict the effect of sequence changes on RNA splicing suggest that this variant may disrupt the consensus splice site. In summary, the available evidence is currently insufficient to determine the role of this variant in disease. Therefore, it has been classified as a Variant of Uncertain Significance.

Literature cited by the submitters: PubMed 17576681; PubMed 9536098.